The following is an entry in ClinVar:

ClinVar aggregate classification (germline): Uncertain significance (1 of 4 stars; one submission).

Conditions:
Duchenne muscular dystrophy (DMD). Also called: Duchenne Muscular Dystrophy (DMD); MUSCULAR DYSTROPHY, PSEUDOHYPERTROPHIC PROGRESSIVE, DUCHENNE TYPE. Identifiers: Orphanet 98896, MedGen C0013264, MONDO:0010679, OMIM 310200.

Submission:

Labcorp Genetics (formerly Invitae), Labcorp
Classification: Uncertain significance for Duchenne muscular dystrophy. Last evaluated: 2025-07-08. Review status: criteria provided, single submitter. Criteria: Invitae Variant Classification Sherloc (09022015). Collection method: clinical testing. Allele origin: germline.
Comment: This sequence change replaces leucine, which is neutral and non-polar, with serine, which is neutral and polar, at codon 2403 of the DMD protein (p.Leu2403Ser). This variant is not present in population databases (gnomAD no frequency). This variant has not been reported in the literature in individuals affected with DMD-related conditions. Invitae Evidence Modeling of protein sequence and biophysical properties (such as structural, functional, and spatial information, amino acid conservation, physicochemical variation, residue mobility, and thermodynamic stability) indicates that this missense variant is not expected to disrupt DMD protein function with a negative predictive value of 95%. In summary, the available evidence is currently insufficient to determine the role of this variant in disease. Therefore, it has been classified as a Variant of Uncertain Significance.

NM_004006.3(DMD):c.7208T>C (p.Leu2403Ser)

Gene: DMD (dystrophin; minus strand). Cytogenetic location: Xp21.1.
Variant type: single nucleotide variant.
Coding change: c.7208T>C on transcript NM_004006.3 (MANE Select); coding-DNA position 7208, T replaced by C.
Protein change: p.Leu2403Ser; replaces leucine 2403 with serine.
Molecular consequence: missense variant. On other transcripts: 5 prime UTR variant (5).
Genome position (GRCh38, 1-based): chrX:31,820,076, A>G on the plus strand (T>C on the coding strand, the complement: DMD is on the minus strand). VCF-style: chrX-31820076-A-G. GRCh37 (hg19) VCF-style: chrX-31838193-A-G.
Other names: c.7184T>C, p.Leu2395Ser (NM_000109.4); c.7196T>C, p.Leu2399Ser (NM_004009.3); c.6839T>C, p.Leu2280Ser (NM_004010.3); c.3185T>C, p.Leu1062Ser (NM_004011.4); c.3176T>C, p.Leu1059Ser (NM_004012.4); c.-173T>C (NM_004013.3, NM_004020.4, NM_004021.3 and 2 more transcripts); short protein forms L1059S, L1062S, L2280S, L2395S, L2399S, L2403S.
Identifiers: ClinVar variation 4809109 (VCV004809109.1).